The following is an entry in ClinVar:

NM_004667.6(HERC2):c.12085A>G (p.Thr4029Ala)

Gene: HERC2 (HECT and RLD domain containing E3 ubiquitin protein ligase 2; minus strand). Cytogenetic location: 15q13.1.
Variant type: single nucleotide variant.
Coding change: c.12085A>G on transcript NM_004667.6 (MANE Select); coding-DNA position 12085, A replaced by G.
Protein change: p.Thr4029Ala; replaces threonine 4029 with alanine.
Molecular consequence: missense variant.
Genome position (GRCh38, 1-based): chr15:28,135,623, T>C on the plus strand (A>G on the coding strand, the complement: HERC2 is on the minus strand). VCF-style: chr15-28135623-T-C. GRCh37 (hg19) VCF-style: chr15-28380769-T-C.
Other names: short protein forms T4029A.
Identifiers: ClinVar variation 4071558 (VCV004071558.1).

ClinVar aggregate classification (germline): Uncertain significance (1 of 4 stars; one submission).

gnomAD v4.1: 4 of 1,614,204 alleles (0.00025%); highest among the groups gnomAD compares: Admixed American, 0.0017%; no homozygotes.

Submission:

GeneDx
Classification: Uncertain significance. Last evaluated: 2025-01-23. Review status: criteria provided, single submitter. Criteria: GeneDx Variant Classification Process June 2021. Collection method: clinical testing. Allele origin: germline. Affected: yes.
Comment: In silico analysis supports that this missense variant has a deleterious effect on protein structure/function; Has not been previously published as pathogenic or benign to our knowledge